The following is an entry in ClinVar:

NM_001146.5(ANGPT1):c.747_748delinsAA (p.Gln250Lys)

Gene: ANGPT1 (angiopoietin 1; minus strand). Cytogenetic location: 8q23.1.
Variant type: Indel.
Coding change: c.747_748delinsAA on transcript NM_001146.5 (MANE Select); coding-DNA positions 747 to 748, GC replaced by AA.
Protein change: p.Gln250Lys; replaces glutamine 250 with lysine.
Molecular consequence: missense variant.
Genome position (GRCh38, 1-based): chr8:107,321,956-107,321,957, GC replaced by TT on the plus strand (GC replaced by AA on the coding strand, the reverse complement: ANGPT1 is on the minus strand). VCF-style: chr8-107321956-GC-TT. GRCh37 (hg19) VCF-style: chr8-108334184-GC-TT.
Other names: c.747_748delinsAA, p.Gln250Lys (NM_001199859.3); c.147_148delinsAA, p.Gln50Lys (NM_001314051.2); short protein forms Q250K, Q50K.
Identifiers: ClinVar variation 1923027 (VCV001923027.5), dbSNP rs2488251795, ClinGen allele CA2580078521.

ClinVar aggregate classification (germline): Uncertain significance (1 of 4 stars; one submission).

Submission:

Labcorp Genetics (formerly Invitae), Labcorp
Classification: Uncertain significance. Last evaluated: 2025-06-15. Review status: criteria provided, single submitter. Criteria: Invitae Variant Classification Sherloc (09022015). Collection method: clinical testing. Allele origin: germline.
Comment: This sequence change replaces glutamine, which is neutral and polar, with lysine, which is basic and polar, at codon 250 of the ANGPT1 protein (p.Gln250Lys). Information on the frequency of this variant in the gnomAD database is not available, as this variant may be reported differently in the database. This variant has not been reported in the literature in individuals affected with ANGPT1-related conditions. ClinVar contains an entry for this variant (Variation ID: 1923027). Experimental studies and prediction algorithms are not available or were not evaluated, and the functional significance of this variant is currently unknown. In summary, the available evidence is currently insufficient to determine the role of this variant in disease. Therefore, it has been classified as a Variant of Uncertain Significance.